The following is an entry in ClinVar:

NM_004281.4(BAG3):c.578G>A (p.Arg193Lys)

Gene: BAG3 (BAG cochaperone 3; plus strand). Cytogenetic location: 10q26.11.
Variant type: single nucleotide variant.
Coding change: c.578G>A on transcript NM_004281.4 (MANE Select); coding-DNA position 578, G replaced by A.
Protein change: p.Arg193Lys; replaces arginine 193 with lysine.
Molecular consequence: missense variant.
Genome position (GRCh38, 1-based): chr10:119,672,325, G>A. VCF-style: chr10-119672325-G-A. GRCh37 (hg19) VCF-style: chr10-121431837-G-A.
Other names: short protein forms R193K.
Identifiers: ClinVar variation 539153 (VCV000539153.10), dbSNP rs752722473, ClinGen allele CA5716370.

ClinVar aggregate classification (germline): Uncertain significance. Review status: criteria provided, multiple submitters, no conflicts (2 of 4 stars). 3 submissions from 3 submitters: Uncertain significance (3). Last evaluated 2025-10-01.

Conditions:
Cardiovascular phenotype. Identifiers: MedGen CN230736.
Myofibrillar myopathy 6. Identifiers: Orphanet 199340, MedGen C2751831, MONDO:0013061, OMIM 612954.
Dilated cardiomyopathy 1HH (CMD1HH). Identifiers: Orphanet 154, MedGen C3151293, MONDO:0013479, OMIM 613881.

Allele frequency attached by ClinVar (database versions not stated): ExAC 0.00001; gnomAD 0.00001.
gnomAD v4.1: 20 of 1,613,956 alleles (0.0012%); highest among the groups gnomAD compares: Non-Finnish European, 0.0016%; no homozygotes.

Submissions (3):

Labcorp Genetics (formerly Invitae), Labcorp
Classification: Uncertain significance for Dilated cardiomyopathy 1HH; Myofibrillar myopathy 6. Last evaluated: 2025-10-01. Review status: criteria provided, single submitter. Criteria: Invitae Variant Classification Sherloc (09022015). Collection method: clinical testing. Allele origin: germline.
Comment: This sequence change replaces arginine, which is basic and polar, with lysine, which is basic and polar, at codon 193 of the BAG3 protein (p.Arg193Lys). This variant is present in population databases (rs752722473, gnomAD 0.002%). This variant has not been reported in the literature in individuals affected with BAG3-related conditions. ClinVar contains an entry for this variant (Variation ID: 539153). Invitae Evidence Modeling of protein sequence and biophysical properties (such as structural, functional, and spatial information, amino acid conservation, physicochemical variation, residue mobility, and thermodynamic stability) indicates that this missense variant is not expected to disrupt BAG3 protein function with a negative predictive value of 80%. In summary, the available evidence is currently insufficient to determine the role of this variant in disease. Therefore, it has been classified as a Variant of Uncertain Significance.

Ambry Genetics
Classification: Uncertain significance for Cardiovascular phenotype. Last evaluated: 2024-01-07. Review status: criteria provided, single submitter. Criteria: Ambry Variant Classification Scheme 2023. Collection method: clinical testing. Allele origin: germline.
Comment: The p.R193K variant (also known as c.578G>A), located in coding exon 3 of the BAG3 gene, results from a G to A substitution at nucleotide position 578. The arginine at codon 193 is replaced by lysine, an amino acid with highly similar properties. This amino acid position is conserved. In addition, this alteration is predicted to be deleterious by in silico analysis. Since supporting evidence is limited at this time, the clinical significance of this alteration remains unclear.

Fulgent Genetics
Classification: Uncertain significance for Myofibrillar myopathy 6; Dilated cardiomyopathy 1HH. Last evaluated: 2022-02-24. Review status: criteria provided, single submitter. Criteria: ACMG Guidelines, 2015. Collection method: clinical testing. Allele origin: unknown.